The following is an entry in ClinVar:

ClinVar aggregate classification (germline): Uncertain significance. Review status: criteria provided, multiple submitters, no conflicts (2 of 4 stars). 6 submissions from 6 submitters: Uncertain significance (5). 1 of the submissions does not count toward it. Last evaluated 2025-09-28.

Conditions:
Macrothrombocytopenia, isolated, 1, autosomal dominant (MACTHC1). Also called: Autosomal dominant macrothrombocytopenia TUBB1-related. Identifiers: Orphanet 140957, MedGen C5676892, MONDO:0800047, OMIM 613112.
Abnormal bleeding. Also called: Bleeding diathesis. Identifiers: MedGen C1458140, HP:0001892.
Thrombocytopenia. Identifiers: MedGen C0040034, MeSH D013921, MONDO:0002049, HP:0001873.

Allele frequency attached by ClinVar (database versions not stated): 1000 Genomes Project 30x 0.00031; gnomAD exomes 0.00009; TOPMed 0.00008; ExAC 0.00011; 1000 Genomes Project 0.00020; ESP Exome Variant Server 0.00015; gnomAD 0.00011.

Submissions (6):

Labcorp Genetics (formerly Invitae), Labcorp
Classification: Uncertain significance. Last evaluated: 2025-09-28. Review status: criteria provided, single submitter. Criteria: Invitae Variant Classification Sherloc (09022015). Collection method: clinical testing. Allele origin: germline.
Comment: This sequence change replaces arginine, which is basic and polar, with tryptophan, which is neutral and slightly polar, at codon 241 of the TUBB1 protein (p.Arg241Trp). This variant is present in population databases (rs368923302, gnomAD 0.01%). This missense change has been observed in individual(s) with thrombocytopenia (PMID: 27479822). ClinVar contains an entry for this variant (Variation ID: 988864). Invitae Evidence Modeling of protein sequence and biophysical properties (such as structural, functional, and spatial information, amino acid conservation, physicochemical variation, residue mobility, and thermodynamic stability) indicates that this missense variant is expected to disrupt TUBB1 protein function with a positive predictive value of 80%. In summary, the available evidence is currently insufficient to determine the role of this variant in disease. Therefore, it has been classified as a Variant of Uncertain Significance.

Genetic Services Laboratory, University of Chicago
Classification: Uncertain significance. Last evaluated: 2025-04-10. Review status: criteria provided, single submitter. Criteria: ACMG Guidelines, 2015. Collection method: clinical testing. Allele origin: germline.
Comment: The c.721C>T variant: Results in an amino acid change, p.Arg241Trp. Has been previously described in two individuals from the same family with thrombocytopenia (PMID: 27479822). Is reported in the gnomAD v4 database with a frequency of 0.02% in the global population (dbSNP rs368923302). Affects a highly conserved amino acid residue located in a domain of the TUBB1 protein that is known to be functional. Appears to be deleterious using several in-silico pathogenicity prediction tools. ClinVar contains an entry for this variant (Variation ID: 988864). Due to insufficient evidence and the lack of functional studies, the clinical significance of the p.Arg241Trp variant remains unknown at this time.

Blueprint Genetics
Classification: Uncertain significance. Last evaluated: 2024-09-23. Review status: criteria provided, single submitter. Criteria: ACMG Guidelines, 2015. Collection method: clinical testing. Allele origin: germline.

Johns Hopkins Genomics, Johns Hopkins University
Classification: Uncertain significance for Macrothrombocytopenia, isolated, 1, autosomal dominant. Last evaluated: 2021-08-12. Review status: criteria provided, single submitter. Criteria: ACMG Guidelines, 2015. Collection method: clinical testing. Allele origin: germline.
Comment: This TUBB1 variant (rs368923302) is rare (<0.1%) in a large population dataset (gnomAD: 28/282856 total alleles; 0.01%; no homozygotes) and has been reported in ClinVar. Three bioinformatic tools queried predict that this substitution would be damaging, and the arginine residue at this position is strongly conserved across the vertebrate species assessed. This variant is not predicted to affect normal exon 4 splicing, although this has not been confirmed experimentally to our knowledge. Due to insufficient evidence, we consider the clinical significance of c.721C>T to be uncertain at this time.

ISTH-SSC Genomics in Thrombosis and Hemostasis, KU Leuven, Center for Molecular and Vascular Biology
Classification: Uncertain significance for Macrothrombocytopenia, isolated, 1, autosomal dominant. Review status: criteria provided, single submitter. Criteria: ACMG Guidelines, 2015. Collection method: clinical testing. Allele origin: germline. Affected: yes. Observed: 1 heterozygote.
Comment: Submitted to GoldVariant by Jose María Bastida and José Rivera; Grupo Español de Alteraciones Plaquetarias Congénitas (GEAPC)

Birmingham Platelet Group; University of Birmingham
Classification: Uncertain significance for Thrombocytopenia; Abnormal bleeding. Last evaluated: 2020-05-01. Review status: no assertion criteria provided. Collection method: research. Allele origin: germline. Affected: yes. Not counted in ClinVar's aggregate classification.

Literature cited by the submitters: PubMed 27479822 (cited by Labcorp Genetics (formerly Invitae), Labcorp); PubMed 18849486 (cited by Johns Hopkins Genomics, Johns Hopkins University); PubMed 32892537 (cited by Johns Hopkins Genomics, Johns Hopkins University); PubMed 33400601 (cited by Johns Hopkins Genomics, Johns Hopkins University).

NM_030773.4(TUBB1):c.721C>T (p.Arg241Trp)

Gene: TUBB1 (tubulin beta 1 class VI; plus strand). Cytogenetic location: 20q13.32.
Variant type: single nucleotide variant.
Coding change: c.721C>T on transcript NM_030773.4 (MANE Select); coding-DNA position 721, C replaced by T.
Protein change: p.Arg241Trp; replaces arginine 241 with tryptophan.
Molecular consequence: missense variant.
Genome position (GRCh38, 1-based): chr20:59,024,148, C>T. VCF-style: chr20-59024148-C-T. GRCh37 (hg19) VCF-style: chr20-57599203-C-T.
Other names: short protein forms R241W.
Identifiers: ClinVar variation 988864 (VCV000988864.16), dbSNP rs368923302, ClinGen allele CA9928570.
Genomic context (GRCh38, chr20:59,024,148, plus strand): 5'-ACCTATGGGGATCTCAACCACCTAGTGTCCTTGACCATGAGCGGCATAACCACCTCCCTC[C>T]GGTTCCCGGGTCAGCTCAACGCAGACCTGCGCAAGCTGGCGGTGAACATGGTCCCCTTCC-3'
Protein context (NP_110400.1, residues 231-251): LTMSGITTSL[Arg241Trp]FPGQLNADLR